The following is an entry in ClinVar:

ClinVar aggregate classification (germline): Pathogenic (1 of 4 stars; one submission).

Submission:

Labcorp Genetics (formerly Invitae), Labcorp
Classification: Pathogenic. Last evaluated: 2020-08-31. Review status: criteria provided, single submitter. Criteria: Invitae Variant Classification Sherloc (09022015). Collection method: clinical testing. Allele origin: germline.
Comment: This sequence change creates a premature translational stop signal (p.Gly1573Lysfs*26) in the ADGRV1 gene. It is expected to result in an absent or disrupted protein product. This variant is not present in population databases (ExAC no frequency). This variant has not been reported in the literature in individuals with ADGRV1-related conditions. Loss-of-function variants in ADGRV1 are known to be pathogenic (PMID: 19357117, 22135276, 22147658). For these reasons, this variant has been classified as Pathogenic.

Literature cited by the submitters: PubMed 19357117; PubMed 22135276; PubMed 22147658.

NM_032119.4(ADGRV1):c.4713_4716dup (p.Gly1573fs)

Gene: ADGRV1 (adhesion G protein-coupled receptor V1; plus strand). Cytogenetic location: 5q14.3.
Variant type: Duplication.
Coding change: c.4713_4716dup on transcript NM_032119.4 (MANE Select); coding-DNA positions 4713 to 4716, 4 bases duplicated (AAAT; older notation c.4713_4716dupAAAT).
Protein change: p.Gly1573fs; shifts the reading frame from glycine 1573.
Molecular consequence: frameshift variant. On other transcripts: non-coding transcript variant (1).
Genome position (GRCh38, 1-based): chr5:90,658,239-90,658,242, AAAT duplicated. VCF-style (leftmost placement, unchanged base first): chr5-90658238-C-CAAAT. GRCh37 (hg19) VCF-style: chr5-89954055-C-CAAAT.
Other names: short protein forms G1573fs.
Identifiers: ClinVar variation 1069984 (VCV001069984.7), dbSNP rs2149480970, ClinGen allele CA2499217987.
Genomic context (GRCh38, chr5:90,658,238, plus strand): 5'-GAGCTCGTATTTCGGAAGAAAATACTACTGCAAGATTAACAATACAAAAAAGTGACAATG[C>CAAAT]AAATGGCTTGTTTGGTTTCACAGGAGCTTGTATACCAGAGGTAAGTAGTGAGCTTGGAGA-3'